The following is an entry in ClinVar:

NM_024757.5(EHMT1):c.116C>G (p.Ala39Gly)

Gene: EHMT1 (euchromatic histone lysine methyltransferase 1; plus strand). Cytogenetic location: 9q34.3.
Variant type: single nucleotide variant.
Coding change: c.116C>G on transcript NM_024757.5 (MANE Select); coding-DNA position 116, C replaced by G.
Protein change: p.Ala39Gly; replaces alanine 39 with glycine.
Molecular consequence: missense variant.
Genome position (GRCh38, 1-based): chr9:137,716,656, C>G. VCF-style: chr9-137716656-C-G. GRCh37 (hg19) VCF-style: chr9-140611108-C-G.
Other names: c.116C>G, p.Ala39Gly (NM_001145527.2, NM_001354263.2, NM_001354611.2); c.23C>G, p.Ala8Gly (NM_001354259.2, NM_001354612.2); short protein forms A8G, A39G.
Identifiers: ClinVar variation 951383 (VCV000951383.10), dbSNP rs375620256, ClinGen allele CA5374181.

ClinVar aggregate classification (germline): Uncertain significance (1 of 4 stars; one submission).

Conditions:
Kleefstra syndrome 1 (KLEFS1). Identifiers: Orphanet 261494, MedGen C0795833, MONDO:0027407, OMIM 610253.

Allele frequency attached by ClinVar (database versions not stated): gnomAD 0.00001; TOPMed 0.00001; ExAC 0.00003; ESP Exome Variant Server 0.00008.
gnomAD v4.1: 14 of 1,589,040 alleles (0.00088%); highest among the groups gnomAD compares: Non-Finnish European, 0.0012%; no homozygotes.

Submission:

Labcorp Genetics (formerly Invitae), Labcorp
Classification: Uncertain significance for Kleefstra syndrome 1. Last evaluated: 2023-08-05. Review status: criteria provided, single submitter. Criteria: Invitae Variant Classification Sherloc (09022015). Collection method: clinical testing. Allele origin: germline.
Comment: In summary, the available evidence is currently insufficient to determine the role of this variant in disease. Therefore, it has been classified as a Variant of Uncertain Significance. An algorithm developed to predict the effect of missense changes on protein structure and function (PolyPhen-2) suggests that this variant is likely to be tolerated. ClinVar contains an entry for this variant (Variation ID: 951383). This variant has not been reported in the literature in individuals affected with EHMT1-related conditions. This variant is present in population databases (rs375620256, gnomAD 0.003%). This sequence change replaces alanine, which is neutral and non-polar, with glycine, which is neutral and non-polar, at codon 39 of the EHMT1 protein (p.Ala39Gly).